The following is an entry in ClinVar:

ClinVar aggregate classification (germline): Uncertain significance. Review status: criteria provided, multiple submitters, no conflicts (2 of 4 stars). 2 submissions from 2 submitters: Uncertain significance (2). Last evaluated 2026-02-27.

Conditions:
EMP2-related disorder. Also called: EMP2-related condition.

Allele frequency attached by ClinVar (database versions not stated): ExAC 0.00001; gnomAD 0.00001; TOPMed 0.00002.
gnomAD v4.1: 109 of 1,613,812 alleles (0.0068%); highest among the groups gnomAD compares: Non-Finnish European, 0.0091%; no homozygotes.

Submissions (2):

PreventionGenetics, part of Exact Sciences
Classification: Uncertain significance for EMP2-related condition. Last evaluated: 2026-02-27. Review status: criteria provided, single submitter. Criteria: ACMG Guidelines, 2015. Collection method: clinical testing. Allele origin: germline.
Comment: The EMP2 c.196G>A variant is predicted to result in the amino acid substitution p.Ala66Thr. To our knowledge, this variant has not been reported in the literature. This variant is reported in 0.0018% of alleles in individuals of European (Non-Finnish) descent in gnomAD. At this time, the clinical significance of this variant is uncertain due to the absence of conclusive functional and genetic evidence.

Ambry Genetics
Classification: Uncertain significance. Last evaluated: 2023-11-14. Review status: criteria provided, single submitter. Criteria: Ambry Variant Classification Scheme 2023. Collection method: clinical testing. Allele origin: germline.
Comment: Does not currently meet published gene-disease clinical validity criteria Based on insufficient or conflicting evidence, the clinical significance of this alteration remains unclear.

Literature cited by the submitters: PubMed 28106320 (cited by Ambry Genetics).

NM_001424.6(EMP2):c.196G>A (p.Ala66Thr)

Gene: EMP2 (epithelial membrane protein 2; minus strand). Cytogenetic location: 16p13.13.
Variant type: single nucleotide variant.
Coding change: c.196G>A on transcript NM_001424.6 (MANE Select); coding-DNA position 196, G replaced by A.
Protein change: p.Ala66Thr; replaces alanine 66 with threonine.
Molecular consequence: missense variant.
Genome position (GRCh38, 1-based): chr16:10,538,048, C>T on the plus strand (G>A on the coding strand, the complement: EMP2 is on the minus strand). VCF-style: chr16-10538048-C-T. GRCh37 (hg19) VCF-style: chr16-10631905-C-T.
Other names: c.196G>A (NM_001424.5); short protein forms A66T.
Identifiers: ClinVar variation 3088781 (VCV003088781.2), dbSNP rs769286820, ClinGen allele CA7897815.